The following is an entry in ClinVar:

NM_019066.5(MAGEL2):c.1368_1430del (p.Ala463_Pro483del)

Gene: MAGEL2 (MAGE family member L2; minus strand). Cytogenetic location: 15q11.2.
Variant type: Deletion.
Coding change: c.1368_1430del on transcript NM_019066.5 (MANE Select); coding-DNA positions 1368 to 1430, 63 bases deleted.
Protein change: p.Ala463_Pro483del.
Molecular consequence: inframe deletion.
Genome position (GRCh38, 1-based): chr15:23,646,313-23,646,375, 63 bases deleted. GRCh37 (hg19): chr15:23,891,480-23,891,542.
Identifiers: ClinVar variation 2287289 (VCV002287289.2), dbSNP rs1566784641, ClinGen allele CA7430039.

ClinVar aggregate classification (germline): Uncertain significance (1 of 4 stars; one submission).

Conditions:
Inborn genetic diseases. Identifiers: MedGen C0950123, MeSH D030342.

Submission:

Ambry Genetics
Classification: Uncertain significance for Inborn genetic diseases. Last evaluated: 2022-06-06. Review status: criteria provided, single submitter. Criteria: Ambry Variant Classification Scheme 2023. Collection method: clinical testing. Allele origin: germline.
Comment: The c.1368_1430del63 (p.A463_P483del) alteration is located in exon 1 (coding exon 1) of the MAGEL2 gene. This alteration consists of an in-frame deletion of 63 nucleotides between nucleotide positions c.1368 and c.1430, resulting in the deletion of <NA> residues. Based on insufficient or conflicting evidence, the clinical significance of this alteration remains unclear.